The following is an entry in ClinVar:

NM_001394062.1(MACF1):c.17964T>G (p.Asp5988Glu)

Gene: MACF1 (microtubule actin crosslinking factor 1; plus strand). Cytogenetic location: 1p34.3.
Variant type: single nucleotide variant.
Coding change: c.17964T>G on transcript NM_001394062.1 (MANE Select); coding-DNA position 17964, T replaced by G.
Protein change: p.Asp5988Glu; replaces aspartic acid 5988 with glutamic acid.
Molecular consequence: missense variant.
Genome position (GRCh38, 1-based): chr1:39,435,737, T>G. VCF-style: chr1-39435737-T-G. GRCh37 (hg19) VCF-style: chr1-39901409-T-G.
Other names: c.6033T>G, p.Asp2011Glu (NM_001397473.1); c.11778T>G, p.Asp3926Glu (NM_012090.5); short protein forms D2011E, D3926E, D5988E.
Identifiers: ClinVar variation 1722789 (VCV001722789.2), dbSNP rs2523111276, ClinGen allele CA339806328.

ClinVar aggregate classification (germline): Uncertain significance (1 of 4 stars; one submission).

Submission:

GeneDx
Classification: Uncertain significance. Last evaluated: 2022-05-02. Review status: criteria provided, single submitter. Criteria: GeneDx Variant Classification Process June 2021. Collection method: clinical testing. Allele origin: germline. Affected: yes.
Comment: Not observed at significant frequency in large population cohorts (gnomAD); In silico analysis supports that this missense variant has a deleterious effect on protein structure/function; Has not been previously published as pathogenic or benign to our knowledge